The following is an entry in ClinVar:

ClinVar aggregate classification (germline): Uncertain significance. Review status: criteria provided, multiple submitters, no conflicts (2 of 4 stars). 2 submissions from 2 submitters: Uncertain significance (2). Last evaluated 2025-09-11.

Conditions:
Neuroblastoma, susceptibility to, 3. Also called: ALK-Related Neuroblastic Tumor Susceptibility. Identifiers: Orphanet 635, MedGen C2751681, MONDO:0013083, OMIM 613014.
Hereditary cancer-predisposing syndrome. Also called: Hereditary neoplastic syndrome; Neoplastic Syndromes, Hereditary; Tumor predisposition; Hereditary Cancer Syndrome. Identifiers: Orphanet 140162, MedGen C0027672, MeSH D009386, MONDO:0015356.

Allele frequency attached by ClinVar (database versions not stated): gnomAD exomes below 0.00001; TOPMed below 0.00001.
gnomAD v4.1: 2 of 1,613,194 alleles (0.00012%); highest among the groups gnomAD compares: South Asian, 0.0022%; no homozygotes.

Submissions (2):

Labcorp Genetics (formerly Invitae), Labcorp
Classification: Uncertain significance for Neuroblastoma, susceptibility to, 3. Last evaluated: 2025-09-11. Review status: criteria provided, single submitter. Criteria: Invitae Variant Classification Sherloc (09022015). Collection method: clinical testing. Allele origin: germline.
Comment: This sequence change falls in intron 25 of the ALK gene. It does not directly change the encoded amino acid sequence of the ALK protein. It affects a nucleotide within the consensus splice site. This variant is not present in population databases (gnomAD no frequency). This variant has not been reported in the literature in individuals affected with ALK-related conditions. ClinVar contains an entry for this variant (Variation ID: 1045366). Variants that disrupt the consensus splice site are a relatively common cause of aberrant splicing (PMID: 17576681, 9536098). Algorithms developed to predict the effect of sequence changes on RNA splicing suggest that this variant is not likely to affect RNA splicing. In summary, the available evidence is currently insufficient to determine the role of this variant in disease. Therefore, it has been classified as a Variant of Uncertain Significance.

Ambry Genetics
Classification: Uncertain significance for Hereditary cancer-predisposing syndrome. Last evaluated: 2025-03-21. Review status: criteria provided, single submitter. Criteria: Ambry Variant Classification Scheme 2023. Collection method: clinical testing. Allele origin: germline.
Comment: The c.3836+5G>A intronic variant results from a G to A substitution 5 nucleotides after coding exon 25 in the ALK gene. This nucleotide position is well conserved in available vertebrate species. In silico splice site analysis for this alteration is inconclusive. Since supporting evidence is limited at this time, the clinical significance of this alteration remains unclear.

Literature cited by the submitters: PubMed 17576681 (cited by Labcorp Genetics (formerly Invitae), Labcorp); PubMed 9536098 (cited by Labcorp Genetics (formerly Invitae), Labcorp).

NM_004304.5(ALK):c.3836+5G>A

Gene: ALK (ALK receptor tyrosine kinase; minus strand). Cytogenetic location: 2p23.2.
Variant type: single nucleotide variant.
Coding change: c.3836+5G>A on transcript NM_004304.5 (MANE Select); 5 bases into the intron after coding-DNA position 3836, G replaced by A.
Molecular consequence: intron variant.
Genome position (GRCh38, 1-based): chr2:29,209,781, C>T on the plus strand (G>A on the coding strand, the complement: ALK is on the minus strand). VCF-style: chr2-29209781-C-T. GRCh37 (hg19) VCF-style: chr2-29432647-C-T.
Other names: c.632+5G>A (NM_001353765.2).
Identifiers: ClinVar variation 1045366 (VCV001045366.10), dbSNP rs1669413814, ClinGen allele CA1241083923.